The following is an entry in ClinVar:

NM_001270.4(CHD1):c.3499C>T (p.Arg1167Ter)

Gene: CHD1 (chromodomain helicase DNA binding protein 1; minus strand). Cytogenetic location: 5q15.
Variant type: single nucleotide variant.
Coding change: c.3499C>T on transcript NM_001270.4 (MANE Select); coding-DNA position 3499, C replaced by T.
Protein change: p.Arg1167Ter; replaces arginine 1167 with a stop codon.
Molecular consequence: nonsense. On other transcripts: non-coding transcript variant (2).
Genome position (GRCh38, 1-based): chr5:98,873,665, G>A on the plus strand (C>T on the coding strand, the complement: CHD1 is on the minus strand). VCF-style: chr5-98873665-G-A. GRCh37 (hg19) VCF-style: chr5-98209369-G-A.
Other names: c.3499C>T, p.Arg1167Ter (NM_001364113.3, NM_001376194.2); short protein forms R1167*.
Identifiers: ClinVar variation 2442406 (VCV002442406.2), dbSNP rs1431355122, ClinGen allele CA360524394.

ClinVar aggregate classification (germline): Uncertain significance (1 of 4 stars; one submission).

Submission:

GeneDx
Classification: Uncertain significance. Last evaluated: 2023-05-19. Review status: criteria provided, single submitter. Criteria: GeneDx Variant Classification Process June 2021. Collection method: clinical testing. Allele origin: germline. Affected: yes.
Comment: Not observed at significant frequency in large population cohorts (gnomAD); Nonsense variant predicted to result in protein truncation or nonsense mediated decay in a gene or region of a gene for which loss of function is not a well-established mechanism of disease; Has not been previously published as pathogenic or benign to our knowledge